The following is an entry in ClinVar:

NM_003265.3(TLR3):c.612G>A (p.Leu204=)

Gene: TLR3 (toll like receptor 3; plus strand). Cytogenetic location: 4q35.1.
Variant type: single nucleotide variant.
Coding change: c.612G>A on transcript NM_003265.3 (MANE Select); coding-DNA position 612, G replaced by A.
Protein change: p.Leu204=; no amino-acid change (leucine 204 retained).
Molecular consequence: synonymous variant.
Genome position (GRCh38, 1-based): chr4:186,079,010, G>A. VCF-style: chr4-186079010-G-A. GRCh37 (hg19) VCF-style: chr4-187000164-G-A.
Identifiers: ClinVar variation 786785 (VCV000786785.15), dbSNP rs5743311, ClinGen allele CA3161252.

ClinVar aggregate classification (germline): Benign/Likely benign. Review status: criteria provided, multiple submitters, no conflicts (2 of 4 stars). 4 submissions from 4 submitters: Benign (2); Likely benign (1). 1 of the submissions does not count toward it. Last evaluated 2026-01-12.

Conditions:
Encephalopathy, acute, infection-induced (herpes-specific), susceptibility to, 1. Also called: Herpes simplex encephalitis, susceptibility to, 1. Identifiers: Orphanet 1930, MedGen C2750180, MONDO:0024563, OMIM 610551.
TLR3-related disorder. Also called: TLR3-related condition.

Allele frequency attached by ClinVar (database versions not stated): gnomAD exomes 0.00023 and 0.00042; gnomAD 0.00169 and 0.00180; TOPMed 0.00203; 1000 Genomes Project 0.00260; ExAC 0.00059; 1000 Genomes Project 30x 0.00234; ESP Exome Variant Server 0.00169.
gnomAD v4.1: 615 of 1,613,688 alleles (0.038%); highest among the groups gnomAD compares: African/African-American, 0.65%; no homozygotes.

Submissions (4):

Labcorp Genetics (formerly Invitae), Labcorp
Classification: Benign for Encephalopathy, acute, infection-induced (herpes-specific), susceptibility to, 1. Last evaluated: 2026-01-12. Review status: criteria provided, single submitter. Criteria: Invitae Variant Classification Sherloc (09022015). Collection method: clinical testing. Allele origin: germline.

Blueprint Genetics
Classification: Likely benign. Last evaluated: 2024-11-26. Review status: criteria provided, single submitter. Criteria: ACMG Guidelines, 2015. Collection method: clinical testing. Allele origin: germline.

Breakthrough Genomics
Classification: Benign. Review status: criteria provided, single submitter. Criteria: ACMG Guidelines, 2015. Collection method: not provided. Allele origin: germline. Inheritance: Autosomal dominant inheritance. Affected: yes.

PreventionGenetics, part of Exact Sciences
Classification: Likely benign for TLR3-related condition. Last evaluated: 2023-12-11. Review status: no assertion criteria provided. Collection method: clinical testing. Allele origin: germline. Not counted in ClinVar's aggregate classification.
Comment: This variant is classified as likely benign based on ACMG/AMP sequence variant interpretation guidelines (Richards et al. 2015 PMID: 25741868, with internal and published modifications).